The following is an entry in ClinVar:

ClinVar aggregate classification (germline): Uncertain significance (1 of 4 stars; one submission).

Submission:

GeneDx
Classification: Uncertain significance. Last evaluated: 2022-06-30. Review status: criteria provided, single submitter. Criteria: GeneDx Variant Classification Process June 2021. Collection method: clinical testing. Allele origin: germline. Affected: yes.
Comment: Not observed at significant frequency in large population cohorts (gnomAD); In silico analysis supports that this missense variant does not alter protein structure/function; Has not been previously published as pathogenic or benign to our knowledge

NM_000548.5(TSC2):c.3860T>C (p.Leu1287Pro)

Gene: TSC2 (TSC complex subunit 2; plus strand). Cytogenetic location: 16p13.3.
Variant type: single nucleotide variant.
Coding change: c.3860T>C on transcript NM_000548.5 (MANE Select); coding-DNA position 3860, T replaced by C.
Protein change: p.Leu1287Pro; replaces leucine 1287 with proline.
Molecular consequence: missense variant. On other transcripts: intron variant (6).
Genome position (GRCh38, 1-based): chr16:2,082,481, T>C. VCF-style: chr16-2082481-T-C. GRCh37 (hg19) VCF-style: chr16-2132482-T-C.
Other names: c.3128T>C, p.Leu1043Pro (NM_001318831.2); c.3728T>C, p.Leu1243Pro (NM_001370404.1, NM_001406665.1); c.3731T>C, p.Leu1244Pro (NM_001370405.1, NM_021055.3); c.3857T>C, p.Leu1286Pro (NM_001406663.1); c.3260T>C, p.Leu1087Pro (NM_001406680.1); c.2387T>C, p.Leu796Pro (NM_001406690.1); c.2384T>C, p.Leu795Pro (NM_001406691.1); c.3814+683T>C (NM_001114382.3); and 5 more; short protein forms L1043P, L1087P, L1243P, L1244P, L1286P, L1287P, L795P, L796P.
Identifiers: ClinVar variation 1810136 (VCV001810136.1), dbSNP rs2544191550, ClinGen allele CA394295074.